The following is an entry in ClinVar:

ClinVar aggregate classification (germline): Uncertain significance. Review status: criteria provided, multiple submitters, no conflicts (2 of 4 stars). 2 submissions from 2 submitters: Uncertain significance (2). Last evaluated 2025-08-23.

Conditions:
Larsen-like syndrome, B3GAT3 type. Also called: Multiple joint dislocations, short stature, craniofacial dysmorphism, with or without congenital heart defects; MULTIPLE JOINT DISLOCATIONS, SHORT STATURE, AND CRANIOFACIAL DYSMORPHISM WITH OR WITHOUT CONGENITAL HEART DEFECTS. Identifiers: Orphanet 284139, MedGen CN034159, MONDO:0009511, OMIM 245600.
Inborn genetic diseases. Identifiers: MedGen C0950123, MeSH D030342.

gnomAD v4.1: 3 of 1,614,062 alleles (0.00019%); highest among the groups gnomAD compares: African/African-American, 0.0027%; no homozygotes.

Submissions (2):

Ambry Genetics
Classification: Uncertain significance for Inborn genetic diseases. Last evaluated: 2025-08-23. Review status: criteria provided, single submitter. Criteria: Ambry Variant Classification Scheme 2023. Collection method: clinical testing. Allele origin: germline.

Labcorp Genetics (formerly Invitae), Labcorp
Classification: Uncertain significance for Larsen-like syndrome, B3GAT3 type. Last evaluated: 2022-02-03. Review status: criteria provided, single submitter. Criteria: Invitae Variant Classification Sherloc (09022015). Collection method: clinical testing. Allele origin: germline.
Comment: This sequence change replaces proline, which is neutral and non-polar, with leucine, which is neutral and non-polar, at codon 183 of the B3GAT3 protein (p.Pro183Leu). This variant is not present in population databases (gnomAD no frequency). This variant has not been reported in the literature in individuals affected with B3GAT3-related conditions. Algorithms developed to predict the effect of missense changes on protein structure and function are either unavailable or do not agree on the potential impact of this missense change (SIFT: "Deleterious"; PolyPhen-2: "Benign"; Align-GVGD: "Class C0"). In summary, the available evidence is currently insufficient to determine the role of this variant in disease. Therefore, it has been classified as a Variant of Uncertain Significance.

NM_012200.4(B3GAT3):c.548C>T (p.Pro183Leu)

Gene: B3GAT3 (beta-1,3-glucuronyltransferase 3; minus strand). Cytogenetic location: 11q12.3.
Variant type: single nucleotide variant.
Coding change: c.548C>T on transcript NM_012200.4 (MANE Select); coding-DNA position 548, C replaced by T.
Protein change: p.Pro183Leu; replaces proline 183 with leucine.
Molecular consequence: missense variant. On other transcripts: non-coding transcript variant (1).
Genome position (GRCh38, 1-based): chr11:62,617,057, G>A on the plus strand (C>T on the coding strand, the complement: B3GAT3 is on the minus strand). VCF-style: chr11-62617057-G-A. GRCh37 (hg19) VCF-style: chr11-62384529-G-A.
Other names: c.548C>T (NM_012200.3); c.527C>T, p.Pro176Leu (NM_001288721.2); c.548C>T, p.Pro183Leu (NM_001288722.2, NM_001288723.2); short protein forms P183L, P176L.
Identifiers: ClinVar variation 1477666 (VCV001477666.6), dbSNP rs746221368, ClinGen allele CA380976776.